The following is an entry in ClinVar:

NM_022893.4(BCL11A):c.588A>C (p.Arg196Ser)

Gene: BCL11A (BCL11 transcription factor A; minus strand). Cytogenetic location: 2p16.1.
Variant type: single nucleotide variant.
Coding change: c.588A>C on transcript NM_022893.4 (MANE Select); coding-DNA position 588, A replaced by C.
Protein change: p.Arg196Ser; replaces arginine 196 with serine.
Molecular consequence: missense variant. On other transcripts: non-coding transcript variant (1).
Genome position (GRCh38, 1-based): chr2:60,462,324, T>G on the plus strand (A>C on the coding strand, the complement: BCL11A is on the minus strand). VCF-style: chr2-60462324-T-G. GRCh37 (hg19) VCF-style: chr2-60689459-T-G.
Other names: c.486A>C, p.Arg162Ser (NM_001363864.1, NM_001365609.1, NM_001405711.1 and 3 more transcripts); c.588A>C, p.Arg196Ser (NM_001405708.1, NM_001405709.1, NM_001405710.1 and 4 more transcripts); c.432A>C, p.Arg144Ser (NM_001405713.1, NM_001405714.1, NM_001405715.1 and 6 more transcripts); c.330A>C, p.Arg110Ser (NM_001405717.1, NM_001405718.1, NM_001405724.1 and 1 more transcripts); c.255A>C, p.Arg85Ser (NM_001405720.1, NM_001405721.1); c.132A>C, p.Arg44Ser (NM_001405725.1, NM_001405726.1, NM_001405727.1 and 2 more transcripts); short protein forms R110S, R144S, R162S, R196S, R44S, R85S.
Identifiers: ClinVar variation 2633755 (VCV002633755.1), dbSNP rs2466266409, ClinGen allele CA347039861.

ClinVar aggregate classification (germline): Uncertain significance (1 of 4 stars; one submission).

Conditions:
BCL11A-related disorder. Also called: BCL11A-related condition.

Submission:

PreventionGenetics, part of Exact Sciences
Classification: Uncertain significance for BCL11A-related condition. Last evaluated: 2023-03-27. Review status: criteria provided, single submitter. Criteria: ACMG Guidelines, 2015. Collection method: clinical testing. Allele origin: germline.
Comment: The BCL11A c.588A>C variant is predicted to result in the amino acid substitution p.Arg196Ser. To our knowledge, this variant has not been reported in the literature or in a large population database, indicating this variant is rare. At this time, the clinical significance of this variant is uncertain due to the absence of conclusive functional and genetic evidence.